The following is an entry in ClinVar:

NM_001318510.2(ACSL4):c.1051dup (p.Met351fs)

Gene: ACSL4 (acyl-CoA synthetase long chain family member 4; minus strand). Cytogenetic location: Xq23.
Variant type: Duplication.
Coding change: c.1051dup on transcript NM_001318510.2 (MANE Select); coding-DNA position 1051, one base duplicated (A; older notation c.1051dupA).
Protein change: p.Met351fs; shifts the reading frame from methionine 351.
Molecular consequence: frameshift variant.
Genome position (GRCh38, 1-based): chrX:109,669,125, T duplicated on the plus strand (A on the coding strand, the reverse complement: ACSL4 is on the minus strand). VCF-style (leftmost placement, unchanged base first): chrX-109669124-A-AT. GRCh37 (hg19) VCF-style: chrX-108912353-A-AT.
Other names: c.1174dup, p.Met392fs (NM_001318509.2, NM_022977.3); c.1051dup, p.Met351fs (NM_004458.3); short protein forms M351fs, M392fs.
Identifiers: ClinVar variation 3382727 (VCV003382727.2).

ClinVar aggregate classification (germline): Uncertain significance (1 of 4 stars; one submission).

Conditions:
Intellectual developmental disorder, X-linked 63. Also called: MENTAL RETARDATION, X-LINKED 68; Intellectual disability, X-linked 63. Identifiers: Orphanet 777, MedGen C1845672, MONDO:0010313, OMIM 300387.

Submission:

Juno Genomics, Hangzhou Juno Genomics, Inc
Classification: Uncertain significance for Intellectual developmental disorder, X-linked 63. Review status: criteria provided, single submitter. Criteria: ACMG Guidelines, 2015. Collection method: clinical testing. Allele origin: germline. Affected: yes.
Comment: Absent from controls (or at extremely low frequency if recessive) in Genome Aggregation Database, Exome Sequencing Project, 1000 Genomes Project, or Exome Aggregation Consortium.